The following is an entry in ClinVar:

ClinVar aggregate classification (germline): Pathogenic (1 of 4 stars; one submission).

Submission:

Centre of Medical Genetics, University Hospital Muenster
Classification: Pathogenic. Last evaluated: 2021-12-10. Review status: criteria provided, single submitter. Criteria: ACMG Guidelines, 2015. Collection method: clinical testing. Allele origin: unknown. Affected: yes. Observed: 1 variant allele, 1 homozygote.
Comment: ACMG categories: PVS1,PM2,PP3

NM_004006.3(DMD):c.3455T>A (p.Leu1152Ter)

Gene: DMD (dystrophin; minus strand). Cytogenetic location: Xp21.1.
Variant type: single nucleotide variant.
Coding change: c.3455T>A on transcript NM_004006.3 (MANE Select); coding-DNA position 3455, T replaced by A.
Protein change: p.Leu1152Ter; replaces leucine 1152 with a stop codon.
Molecular consequence: nonsense.
Genome position (GRCh38, 1-based): chrX:32,454,810, A>T on the plus strand (T>A on the coding strand, the complement: DMD is on the minus strand). VCF-style: chrX-32454810-A-T. GRCh37 (hg19) VCF-style: chrX-32472927-A-T.
Other names: c.3431T>A, p.Leu1144Ter (NM_000109.4); c.3443T>A, p.Leu1148Ter (NM_004009.3); c.3086T>A, p.Leu1029Ter (NM_004010.3); short protein forms L1029*, L1144*, L1148*, L1152*.
Identifiers: ClinVar variation 1708325 (VCV001708325.2), dbSNP rs2524370040, ClinGen allele CA412663360.